The following is an entry in ClinVar:

ClinVar aggregate classification (germline): Likely benign (1 of 4 stars; one submission).

Allele frequency attached by ClinVar (database versions not stated): gnomAD 0.02731 and 0.02820; 1000 Genomes Project 30x 0.02748; TOPMed 0.02761; 1000 Genomes Project 0.02835.
gnomAD v4.1: 4,339 of 152,120 alleles (2.9%); highest among the groups gnomAD compares: Middle Eastern, 9.2%; 81 homozygotes.

Submission:

GeneDx
Classification: Likely benign. Last evaluated: 2018-06-14. Review status: criteria provided, single submitter. Criteria: GeneDx Variant Classification (06012015). Collection method: clinical testing. Allele origin: germline. Affected: yes.
Comment: This variant is considered likely benign or benign based on one or more of the following criteria: it is a conservative change, it occurs at a poorly conserved position in the protein, it is predicted to be benign by multiple in silico algorithms, and/or has population frequency not consistent with disease.

NM_014844.5(TECPR2):c.3790-333T>C

Gene: TECPR2 (tectonin beta-propeller repeat containing 2; plus strand). Cytogenetic location: 14q32.31.
Variant type: single nucleotide variant.
Coding change: c.3790-333T>C on transcript NM_014844.5 (MANE Select); 333 bases into the intron before coding-DNA position 3790, T replaced by C.
Molecular consequence: intron variant.
Genome position (GRCh38, 1-based): chr14:102,496,646, T>C. VCF-style: chr14-102496646-T-C. GRCh37 (hg19) VCF-style: chr14-102962983-T-C.
Identifiers: ClinVar variation 672348 (VCV000672348.1), dbSNP rs77310359, ClinGen allele CA267067320.